The following is an entry in ClinVar:

NM_015338.6(ASXL1):c.2315C>T (p.Ala772Val)

Gene: ASXL1 (ASXL transcriptional regulator 1; plus strand). Cytogenetic location: 20q11.21.
Variant type: single nucleotide variant.
Coding change: c.2315C>T on transcript NM_015338.6 (MANE Select); coding-DNA position 2315, C replaced by T.
Protein change: p.Ala772Val; replaces alanine 772 with valine.
Molecular consequence: missense variant.
Genome position (GRCh38, 1-based): chr20:32,435,027, C>T. VCF-style: chr20-32435027-C-T. GRCh37 (hg19) VCF-style: chr20-31022830-C-T.
Other names: c.2132C>T, p.Ala711Val (NM_001363734.1); short protein forms A711V, A772V.
Identifiers: ClinVar variation 3955522 (VCV003955522.1).

ClinVar aggregate classification (germline): Uncertain significance (1 of 4 stars; one submission).

Conditions:
Inborn genetic diseases. Identifiers: MedGen C0950123, MeSH D030342.

gnomAD v4.1: 3 of 1,614,042 alleles (0.00019%); highest among the groups gnomAD compares: African/African-American, 0.004%; no homozygotes.

Submission:

Ambry Genetics
Classification: Uncertain significance for Inborn genetic diseases. Last evaluated: 2025-03-30. Review status: criteria provided, single submitter. Criteria: Ambry Variant Classification Scheme 2023. Collection method: clinical testing. Allele origin: germline.
Comment: The p.A772V variant (also known as c.2315C>T), located in coding exon 13 of the ASXL1 gene, results from a C to T substitution at nucleotide position 2315. The alanine at codon 772 is replaced by valine, an amino acid with similar properties. This amino acid position is conserved. In addition, this alteration is predicted to be tolerated by in silico analysis. Based on the available evidence, the clinical significance of this variant remains unclear.